The following is an entry in ClinVar:

NM_003906.5(MCM3AP):c.4394A>C (p.Lys1465Thr)

Genes: MCM3AP (minichromosome maintenance complex component 3 associated protein; minus strand), MCM3AP-AS1 (MCM3AP antisense RNA 1; plus strand). Cytogenetic location: 21q22.3.
Variant type: single nucleotide variant.
Coding change: c.4394A>C on transcript NM_003906.5 (MANE Select); coding-DNA position 4394, A replaced by C.
Protein change: p.Lys1465Thr; replaces lysine 1465 with threonine.
Molecular consequence: missense variant.
Genome position (GRCh38, 1-based): chr21:46,246,783, T>G on the plus strand (A>C on the coding strand, the complement: MCM3AP is on the minus strand). VCF-style: chr21-46246783-T-G. GRCh37 (hg19) VCF-style: chr21-47666697-T-G.
Other names: short protein forms K1465T.
Identifiers: ClinVar variation 2093787 (VCV002093787.4), dbSNP rs2517328676, ClinGen allele CA410545459.

ClinVar aggregate classification (germline): Uncertain significance (1 of 4 stars; one submission).

Submission:

Labcorp Genetics (formerly Invitae), Labcorp
Classification: Uncertain significance. Last evaluated: 2022-02-20. Review status: criteria provided, single submitter. Criteria: Invitae Variant Classification Sherloc (09022015). Collection method: clinical testing. Allele origin: germline.
Comment: In summary, the available evidence is currently insufficient to determine the role of this variant in disease. Therefore, it has been classified as a Variant of Uncertain Significance. Algorithms developed to predict the effect of missense changes on protein structure and function (SIFT, PolyPhen-2, Align-GVGD) all suggest that this variant is likely to be tolerated. This variant has not been reported in the literature in individuals affected with MCM3AP-related conditions. This variant is not present in population databases (gnomAD no frequency). This sequence change replaces lysine, which is basic and polar, with threonine, which is neutral and polar, at codon 1465 of the MCM3AP protein (p.Lys1465Thr).